The following is an entry in ClinVar:

NM_004260.4(RECQL4):c.1671G>A (p.Met557Ile)

Gene: RECQL4 (RecQ like helicase 4; minus strand). Cytogenetic location: 8q24.3.
Variant type: single nucleotide variant.
Coding change: c.1671G>A on transcript NM_004260.4 (MANE Select); coding-DNA position 1671, G replaced by A.
Protein change: p.Met557Ile; replaces methionine 557 with isoleucine.
Molecular consequence: missense variant.
Genome position (GRCh38, 1-based): chr8:144,514,475, C>T on the plus strand (G>A on the coding strand, the complement: RECQL4 is on the minus strand). VCF-style: chr8-144514475-C-T. GRCh37 (hg19) VCF-style: chr8-145739859-C-T.
Other names: short protein forms M557I.
Identifiers: ClinVar variation 579434 (VCV000579434.7), dbSNP rs1564800052, ClinGen allele CA372681687.

ClinVar aggregate classification (germline): Uncertain significance. Review status: criteria provided, multiple submitters, no conflicts (2 of 4 stars). 2 submissions from 2 submitters: Uncertain significance (2). Last evaluated 2024-12-08.

Conditions:
Inborn genetic diseases. Identifiers: MedGen C0950123, MeSH D030342.
Baller-Gerold syndrome (BGS). Also called: CRANIOSYNOSTOSIS WITH RADIAL DEFECTS. Identifiers: Orphanet 1225, MedGen C0265308, MONDO:0009039, OMIM 218600.

Allele frequency attached by ClinVar (database versions not stated): TOPMed below 0.00001.
gnomAD v4.1: 9 of 1,612,342 alleles (0.00056%); highest among the groups gnomAD compares: Middle Eastern, 0.017%; no homozygotes.

Submissions (2):

Ambry Genetics
Classification: Uncertain significance for Inborn genetic diseases. Last evaluated: 2024-12-08. Review status: criteria provided, single submitter. Criteria: Ambry Variant Classification Scheme 2023. Collection method: clinical testing. Allele origin: germline.
Comment: The p.M557I variant (also known as c.1671G>A), located in coding exon 10 of the RECQL4 gene, results from a G to A substitution at nucleotide position 1671. The methionine at codon 557 is replaced by isoleucine, an amino acid with highly similar properties. This amino acid position is conserved. In addition, the in silico prediction for this alteration is inconclusive. Based on the available evidence, the clinical significance of this variant remains unclear.

Labcorp Genetics (formerly Invitae), Labcorp
Classification: Uncertain significance for Baller-Gerold syndrome. Last evaluated: 2022-08-09. Review status: criteria provided, single submitter. Criteria: Invitae Variant Classification Sherloc (09022015). Collection method: clinical testing. Allele origin: germline.
Comment: This sequence change replaces methionine, which is neutral and non-polar, with isoleucine, which is neutral and non-polar, at codon 557 of the RECQL4 protein (p.Met557Ile). This variant is not present in population databases (gnomAD no frequency). This variant has not been reported in the literature in individuals affected with RECQL4-related conditions. ClinVar contains an entry for this variant (Variation ID: 579434). In summary, the available evidence is currently insufficient to determine the role of this variant in disease. Therefore, it has been classified as a Variant of Uncertain Significance.